The following is an entry in ClinVar:

ClinVar aggregate classification (germline): Uncertain significance (1 of 4 stars; one submission).

Conditions:
Severe combined immunodeficiency due to DNA-PKcs deficiency. Also called: IMMUNODEFICIENCY 26 WITH NEUROLOGIC ABNORMALITIES; Immunodeficiency 26 with or without neurologic abnormalities. Identifiers: Orphanet 317425, MedGen C4014833, MONDO:0014423, OMIM 615966.

gnomAD v4.1: 1 of 1,539,668 alleles (0.000065%); highest among the groups gnomAD compares: Non-Finnish European, 0.000087%; no homozygotes.

Submission:

Labcorp Genetics (formerly Invitae), Labcorp
Classification: Uncertain significance for Severe combined immunodeficiency due to DNA-PKcs deficiency. Last evaluated: 2025-12-21. Review status: criteria provided, single submitter. Criteria: Invitae Variant Classification Sherloc (09022015). Collection method: clinical testing. Allele origin: germline.
Comment: This sequence change replaces serine, which is neutral and polar, with threonine, which is neutral and polar, at codon 3143 of the PRKDC protein (p.Ser3143Thr). This variant is not present in population databases (gnomAD no frequency). This variant has not been reported in the literature in individuals affected with PRKDC-related conditions. Invitae Evidence Modeling of protein sequence and biophysical properties (such as structural, functional, and spatial information, amino acid conservation, physicochemical variation, residue mobility, and thermodynamic stability) indicates that this missense variant is not expected to disrupt PRKDC protein function with a negative predictive value of 80%. In summary, the available evidence is currently insufficient to determine the role of this variant in disease. Therefore, it has been classified as a Variant of Uncertain Significance.

NM_006904.7(PRKDC):c.9428G>C (p.Ser3143Thr)

Gene: PRKDC (protein kinase, DNA-activated, catalytic subunit; minus strand). Cytogenetic location: 8q11.21.
Variant type: single nucleotide variant.
Coding change: c.9428G>C on transcript NM_006904.7 (MANE Select); coding-DNA position 9428, G replaced by C.
Protein change: p.Ser3143Thr; replaces serine 3143 with threonine.
Molecular consequence: missense variant.
Genome position (GRCh38, 1-based): chr8:47,819,419, C>G on the plus strand (G>C on the coding strand, the complement: PRKDC is on the minus strand). VCF-style: chr8-47819419-C-G. GRCh37 (hg19) VCF-style: chr8-48731980-C-G.
Other names: c.9428G>C, p.Ser3143Thr (NM_001081640.2); short protein forms S3143T.
Identifiers: ClinVar variation 4739629 (VCV004739629.1).